The following is an entry in ClinVar:

NM_001256864.2(DNAJC6):c.700G>A (p.Ala234Thr)

Gene: DNAJC6 (DnaJ heat shock protein family (Hsp40) member C6; plus strand). Cytogenetic location: 1p31.3.
Variant type: single nucleotide variant.
Coding change: c.700G>A on transcript NM_001256864.2 (MANE Select); coding-DNA position 700, G replaced by A.
Protein change: p.Ala234Thr; replaces alanine 234 with threonine.
Molecular consequence: missense variant.
Genome position (GRCh38, 1-based): chr1:65,384,226, G>A. VCF-style: chr1-65384226-G-A. GRCh37 (hg19) VCF-style: chr1-65849909-G-A.
Other names: c.529G>A (NM_014787.2); c.490G>A, p.Ala164Thr (NM_001256865.2); c.529G>A, p.Ala177Thr (NM_014787.4); short protein forms A234T, A177T, A164T.
Identifiers: ClinVar variation 2079427 (VCV002079427.4), dbSNP rs186061249, ClinGen allele CA893741.
Genomic context (GRCh38, chr1:65,384,226, plus strand): 5'-AATGATTTTATGCATTTTCTTTGACAGGATGGACGGGCGGCATCATCAATTCTGGTTGGT[G>A]CTATGTTCATTTTCTGTAATCTCTACTCTACTCCTGGCCCAGCCATTCGATTGCTATATG-3'
Protein context (NP_001243793.1, residues 224-244): GRAASSILVG[Ala234Thr]MFIFCNLYST

ClinVar aggregate classification (germline): Uncertain significance. Review status: criteria provided, multiple submitters, no conflicts (2 of 4 stars). 2 submissions from 2 submitters: Uncertain significance (2). Last evaluated 2024-05-29.

Conditions:
Inborn genetic diseases. Identifiers: MedGen C0950123, MeSH D030342.
Juvenile onset Parkinson disease 19A. Also called: PARK19; DNAJC6 Parkinson Disease. Identifiers: Orphanet 391411, MedGen C3809811, MONDO:0014231, OMIM 615528.

Allele frequency attached by ClinVar (database versions not stated): gnomAD 0.00002; gnomAD exomes 0.00002; ExAC 0.00011; 1000 Genomes Project 30x 0.00016; 1000 Genomes Project 0.00020.
gnomAD v4.1: 29 of 1,573,730 alleles (0.0018%); highest among the groups gnomAD compares: Middle Eastern, 0.017%; no homozygotes.

Submissions (2):

Ambry Genetics
Classification: Uncertain significance for Inborn genetic diseases. Last evaluated: 2024-05-29. Review status: criteria provided, single submitter. Criteria: Ambry Variant Classification Scheme 2023. Collection method: clinical testing. Allele origin: germline.

Labcorp Genetics (formerly Invitae), Labcorp
Classification: Uncertain significance for Juvenile onset Parkinson disease 19A. Last evaluated: 2023-09-13. Review status: criteria provided, single submitter. Criteria: Invitae Variant Classification Sherloc (09022015). Collection method: clinical testing. Allele origin: germline.
Comment: In summary, the available evidence is currently insufficient to determine the role of this variant in disease. Therefore, it has been classified as a Variant of Uncertain Significance. Algorithms developed to predict the effect of sequence changes on RNA splicing suggest that this variant may create or strengthen a splice site. Advanced modeling of protein sequence and biophysical properties (such as structural, functional, and spatial information, amino acid conservation, physicochemical variation, residue mobility, and thermodynamic stability) performed at Invitae indicates that this missense variant is expected to disrupt DNAJC6 protein function. ClinVar contains an entry for this variant (Variation ID: 2079427). This variant has not been reported in the literature in individuals affected with DNAJC6-related conditions. This variant is present in population databases (rs186061249, gnomAD 0.01%). This sequence change replaces alanine, which is neutral and non-polar, with threonine, which is neutral and polar, at codon 234 of the DNAJC6 protein (p.Ala234Thr).